The following is an entry in ClinVar:

NM_014141.6(CNTNAP2):c.967G>A (p.Gly323Ser)

Gene: CNTNAP2 (contactin associated protein 2; plus strand). Cytogenetic location: 7q35.
Variant type: single nucleotide variant.
Coding change: c.967G>A on transcript NM_014141.6 (MANE Select); coding-DNA position 967, G replaced by A.
Protein change: p.Gly323Ser; replaces glycine 323 with serine.
Molecular consequence: missense variant.
Genome position (GRCh38, 1-based): chr7:147,128,720, G>A. VCF-style: chr7-147128720-G-A. GRCh37 (hg19) VCF-style: chr7-146825812-G-A.
Other names: short protein forms G323S.
Identifiers: ClinVar variation 1205412 (VCV001205412.9), dbSNP rs1471454408, ClinGen allele CA369924172.

ClinVar aggregate classification (germline): Uncertain significance. Review status: criteria provided, multiple submitters, no conflicts (2 of 4 stars). 3 submissions from 3 submitters: Uncertain significance (3). Last evaluated 2024-09-20.

Conditions:
Cortical dysplasia-focal epilepsy syndrome (PTHSL1). Also called: Pitt-Hopkins-like syndrome 1. Identifiers: Orphanet 163681, Orphanet 221150, MedGen C2750246, MONDO:0012400, OMIM 610042.
Inborn genetic diseases. Identifiers: MedGen C0950123, MeSH D030342.

Allele frequency attached by ClinVar (database versions not stated): gnomAD exomes below 0.00001 and 0.00001; TOPMed below 0.00001; gnomAD 0.00001.
gnomAD v4.1: 19 of 1,613,752 alleles (0.0012%); highest among the groups gnomAD compares: Non-Finnish European, 0.0016%; no homozygotes.

Submissions (3):

Ambry Genetics
Classification: Uncertain significance for Inborn genetic diseases. Last evaluated: 2024-09-20. Review status: criteria provided, single submitter. Criteria: Ambry Variant Classification Scheme 2023. Collection method: clinical testing. Allele origin: germline.

Labcorp Genetics (formerly Invitae), Labcorp
Classification: Uncertain significance for Cortical dysplasia-focal epilepsy syndrome. Last evaluated: 2022-09-27. Review status: criteria provided, single submitter. Criteria: Invitae Variant Classification Sherloc (09022015). Collection method: clinical testing. Allele origin: germline.
Comment: This sequence change replaces glycine, which is neutral and non-polar, with serine, which is neutral and polar, at codon 323 of the CNTNAP2 protein (p.Gly323Ser). This variant is present in population databases (no rsID available, gnomAD 0.002%). This variant has not been reported in the literature in individuals affected with CNTNAP2-related conditions. ClinVar contains an entry for this variant (Variation ID: 1205412). Algorithms developed to predict the effect of missense changes on protein structure and function are either unavailable or do not agree on the potential impact of this missense change (SIFT: "Tolerated"; PolyPhen-2: "Possibly Damaging"; Align-GVGD: "Class C0"). Algorithms developed to predict the effect of sequence changes on RNA splicing suggest that this variant may create or strengthen a splice site. In summary, the available evidence is currently insufficient to determine the role of this variant in disease. Therefore, it has been classified as a Variant of Uncertain Significance.

GeneDx
Classification: Uncertain significance. Last evaluated: 2019-08-30. Review status: criteria provided, single submitter. Criteria: GeneDx Variant Classification Process June 2021. Collection method: clinical testing. Allele origin: germline. Affected: yes.
Comment: Has not been previously published as pathogenic or benign to our knowledge; Not observed at a significant frequency in large population cohorts (Lek et al., 2016); In silico analysis, which includes protein predictors and evolutionary conservation, supports a deleterious effect; In addition, in silico splice predictors suggest this variant may lead to abnormal gene splicing. In the absence of RNA/functional studies, the actual effect of this sequence change is unknown.